The following is an entry in ClinVar:

NM_000540.3(RYR1):c.10343C>T (p.Ser3448Phe)

Gene: RYR1 (ryanodine receptor 1; plus strand). Cytogenetic location: 19q13.2.
Variant type: single nucleotide variant.
Coding change: c.10343C>T on transcript NM_000540.3 (MANE Select); coding-DNA position 10343, C replaced by T.
Protein change: p.Ser3448Phe; replaces serine 3448 with phenylalanine.
Molecular consequence: missense variant.
Genome position (GRCh38, 1-based): chr19:38,523,111, C>T. VCF-style: chr19-38523111-C-T. GRCh37 (hg19) VCF-style: chr19-39013751-C-T.
Other names: S3450F; c.10343C>T, p.Ser3448Phe (NM_001042723.2); short protein forms S3448F.
Identifiers: ClinVar variation 12991 (VCV000012991.4), dbSNP rs193922836, ClinGen allele CA023832.

ClinVar aggregate classification (germline): Uncertain significance. Review status: criteria provided, single submitter (1 of 4 stars). 3 submissions from 3 submitters: Uncertain significance (1). 2 of the submissions do not count toward it. Last evaluated 2023-12-13.

Conditions:
Malignant hyperthermia, susceptibility to, 1 (MHS1). Also called: Malignant hyperthermia suceptibility 1; Anesthesia related hyperthermia; Malignant hyperpyrexia; Fulminating hyperpyrexia; Pharmacogenic myopathy; RYR1-Related Malignant Hyperthermia Susceptibility. Identifiers: Orphanet 423, MedGen C2930980, MONDO:0007783, OMIM 145600.
Congenital multicore myopathy with external ophthalmoplegia (CMYO1B). Also called: Congenital myopathy 1B, autosomal recessive; Minicore myopathy; MULTIMINICORE DISEASE WITH EXTERNAL OPHTHALMOPLEGIA; MULTICORE MYOPATHY; Minicore myopathy with external ophthalmoplegia. Identifiers: Orphanet 598, Orphanet 98905, MedGen C1850674, MONDO:0009712, OMIM 255320, HP:0003789.

Submissions (3):

All of Us Research Program, National Institutes of Health
Classification: Uncertain significance for Malignant hyperthermia, susceptibility to, 1. Last evaluated: 2023-12-13. Review status: criteria provided, single submitter. Criteria: ACMG Guidelines, 2015. Collection method: clinical testing. Allele origin: germline. Inheritance: Autosomal dominant inheritance. Observed: 1 variant allele, 1 heterozygote.
Comment: This missense variant replaces serine with phenylalanine at codon 3448 of the RYR1 protein. Computational prediction suggests that this variant may have deleterious impact on protein structure and function (internally defined REVEL score threshold >= 0.85, PMID: 27666373). To our knowledge, functional studies have not been reported for this variant. This variant has not been reported in individuals affected with autosomal dominant malignant hyperthermia in the literature, although it is associated with other phenotype(s) (ClinVar variation ID: 12991). This variant has not been identified in the general population by the Genome Aggregation Database (gnomAD). Due to insufficient evidence, this variant is classified as a Variant of Uncertain Significance for autosomal dominant malignant hyperthermia.

This study involves interpretation of variants in research participants for the purpose of population health screening. Participant phenotype was not available at the time of variant classification. Additional details can be found in publication PMID: 35346344, PMCID: PMC8962531

OMIM
Classification: Pathogenic for CONGENITAL MYOPATHY 1B, AUTOSOMAL RECESSIVE. Last evaluated: 2005-12-27. Review status: no assertion criteria provided. Collection method: literature only. Allele origin: germline. Not counted in ClinVar's aggregate classification.

RYR1 database
No classification provided. Review status: no classification provided. Collection method: not provided. Allele origin: unknown. Not counted in ClinVar's aggregate classification.

Literature cited by the submitters: PubMed 16380615 (cited by OMIM).